The following is an entry in ClinVar:

ClinVar aggregate classification (germline): Likely pathogenic (1 of 4 stars; one submission).

Conditions:
Hypoalphalipoproteinemia, primary, 1. Identifiers: Orphanet 425, MedGen C5231558, MONDO:0011393, OMIM 604091.

Submission:

Department Of Human Genetics, Institute Of Clinical And Translational Research, Biomedical Research Center, Slovak Academy Of Sciences
Classification: Likely pathogenic for Hypoalphalipoproteinemia, primary, 1. Review status: criteria provided, single submitter. Criteria: ACMG Guidelines, 2015. Collection method: research. Allele origin: germline. Inheritance: Autosomal dominant inheritance. Affected: yes. Observed: 3 variant alleles.
Comment: In all three individuals we identified a novel ABCA1 variant NM_005502.4:c.1857_1858delinsAT, possibly responsible for the decreased HDL levels. We believe that the lipid profile in the probands appears to result from a combination of mainly these two independent pathogenic variants (PMID: 36876364).

Literature cited by the submitters: PubMed 36876364.

NM_005502.4(ABCA1):c.1857_1858delinsAT (p.Met619_Gln620delinsIleTer)

Gene: ABCA1 (ATP binding cassette subfamily A member 1; minus strand). Cytogenetic location: 9q31.1.
Variant type: Indel.
Coding change: c.1857_1858delinsAT on transcript NM_005502.4 (MANE Select); coding-DNA positions 1857 to 1858, GC replaced by AT.
Protein change: p.Met619_Gln620delinsIleTer.
Molecular consequence: nonsense.
Genome position (GRCh38, 1-based): chr9:104,830,959-104,830,960, GC replaced by AT on the plus strand (GC replaced by AT on the coding strand, the reverse complement: ABCA1 is on the minus strand). VCF-style: chr9-104830959-GC-AT. GRCh37 (hg19) VCF-style: chr9-107593240-GC-AT.
Identifiers: ClinVar variation 2683744 (VCV002683744.1), dbSNP rs2538176853, ClinGen allele CA2697557978.